The following is an entry in ClinVar:

NM_031272.5(TEX14):c.939A>G (p.Leu313=)

Gene: TEX14 (testis expressed 14, intercellular bridge forming factor; minus strand). Cytogenetic location: 17q22.
Variant type: single nucleotide variant.
Coding change: c.939A>G on transcript NM_031272.5 (MANE Select); coding-DNA position 939, A replaced by G.
Protein change: p.Leu313=; no amino-acid change (leucine 313 retained).
Molecular consequence: synonymous variant.
Genome position (GRCh38, 1-based): chr17:58,613,487, T>C on the plus strand (A>G on the coding strand, the complement: TEX14 is on the minus strand). VCF-style: chr17-58613487-T-C. GRCh37 (hg19) VCF-style: chr17-56690848-T-C.
Other names: c.957A>G, p.Leu319= (NM_001201457.2); c.939A>G, p.Leu313= (NM_198393.4).
Identifiers: ClinVar variation 3059541 (VCV003059541.2), dbSNP rs8077548, ClinGen allele CA8676565.

ClinVar aggregate classification (germline): Benign (0 of 4 stars; one submission).

Conditions:
TEX14-related disorder. Also called: TEX14-related condition.

Allele frequency attached by ClinVar (database versions not stated): ExAC 0.13147; ESP Exome Variant Server 0.13601; gnomAD 0.14572; TOPMed 0.14672; 1000 Genomes Project 0.23343; 1000 Genomes Project 30x 0.23345.
gnomAD v4.1: 150,452 of 1,613,804 alleles (9.3%); highest among the groups gnomAD compares: African/African-American, 29%; 11,564 homozygotes.

Submission:

PreventionGenetics, part of Exact Sciences
Classification: Benign for TEX14-related condition. Last evaluated: 2019-11-26. Review status: no assertion criteria provided. Collection method: clinical testing. Allele origin: germline.
Comment: This variant is classified as benign based on ACMG/AMP sequence variant interpretation guidelines (Richards et al. 2015 PMID: 25741868, with internal and published modifications).